The following is an entry in ClinVar:

ClinVar aggregate classification (germline): Uncertain significance (1 of 4 stars; one submission).

gnomAD v4.1: 1 of 1,543,668 alleles (0.000065%); highest among the groups gnomAD compares: African/African-American, 0.0014%; no homozygotes.

Submission:

Labcorp Genetics (formerly Invitae), Labcorp
Classification: Uncertain significance. Last evaluated: 2025-02-25. Review status: criteria provided, single submitter. Criteria: Invitae Variant Classification Sherloc (09022015). Collection method: clinical testing. Allele origin: germline.
Comment: This sequence change replaces arginine, which is basic and polar, with glycine, which is neutral and non-polar, at codon 178 of the UMOD protein (p.Arg178Gly). This variant is not present in population databases (gnomAD no frequency). This variant has not been reported in the literature in individuals affected with UMOD-related conditions. Invitae Evidence Modeling of protein sequence and biophysical properties (such as structural, functional, and spatial information, amino acid conservation, physicochemical variation, residue mobility, and thermodynamic stability) indicates that this missense variant is not expected to disrupt UMOD protein function with a negative predictive value of 80%. This variant disrupts the p.Arg178 amino acid residue in UMOD. Other variant(s) that disrupt this residue have been determined to be pathogenic (PMID: 29212948; internal data). This suggests that this residue is clinically significant, and that variants that disrupt this residue are likely to be disease-causing. In summary, the available evidence is currently insufficient to determine the role of this variant in disease. Therefore, it has been classified as a Variant of Uncertain Significance.

Literature cited by the submitters: PubMed 29212948.

NM_003361.4(UMOD):c.532C>G (p.Arg178Gly)

Gene: UMOD (uromodulin; minus strand). Cytogenetic location: 16p12.3.
Variant type: single nucleotide variant.
Coding change: c.532C>G on transcript NM_003361.4 (MANE Select); coding-DNA position 532, C replaced by G.
Protein change: p.Arg178Gly; replaces arginine 178 with glycine.
Molecular consequence: missense variant. On other transcripts: non-coding transcript variant (1).
Genome position (GRCh38, 1-based): chr16:20,348,769, G>C on the plus strand (C>G on the coding strand, the complement: UMOD is on the minus strand). VCF-style: chr16-20348769-G-C. GRCh37 (hg19) VCF-style: chr16-20360091-G-C.
Other names: c.532C>G, p.Arg178Gly (NM_001008389.3, NM_001378232.1, NM_001378233.1 and 3 more transcripts); c.631C>G, p.Arg211Gly (NM_001278614.2); short protein forms R178G, R211G.
Identifiers: ClinVar variation 4807164 (VCV004807164.1).